The following is an entry in ClinVar:

NM_004064.5(CDKN1B):c.271C>A (p.Pro91Thr)

Gene: CDKN1B (cyclin dependent kinase inhibitor 1B; plus strand). Cytogenetic location: 12p13.1.
Variant type: single nucleotide variant.
Coding change: c.271C>A on transcript NM_004064.5 (MANE Select); coding-DNA position 271, C replaced by A.
Protein change: p.Pro91Thr; replaces proline 91 with threonine.
Molecular consequence: missense variant.
Genome position (GRCh38, 1-based): chr12:12,718,110, C>A. VCF-style: chr12-12718110-C-A. GRCh37 (hg19) VCF-style: chr12-12871044-C-A.
Other names: short protein forms P91T.
Identifiers: ClinVar variation 469011 (VCV000469011.12), dbSNP rs769828807, ClinGen allele CA6457433.

ClinVar aggregate classification (germline): Conflicting classifications of pathogenicity. Review status: criteria provided, conflicting classifications (1 of 4 stars). 4 submissions from 4 submitters: Uncertain significance (3); Likely benign (1). Last evaluated 2024-09-01.

Conditions:
Hereditary cancer-predisposing syndrome. Also called: Hereditary neoplastic syndrome; Neoplastic Syndromes, Hereditary; Tumor predisposition; Hereditary Cancer Syndrome. Identifiers: Orphanet 140162, MedGen C0027672, MeSH D009386, MONDO:0015356.
Multiple endocrine neoplasia type 4. Also called: MULTIPLE ENDOCRINE NEOPLASIA, TYPE IV. Identifiers: Orphanet 276152, MedGen C1970712, MONDO:0012552, OMIM 610755.

Allele frequency attached by ClinVar (database versions not stated): gnomAD 0.00001; TOPMed 0.00001.
gnomAD v4.1: 4 of 1,614,102 alleles (0.00025%); highest among the groups gnomAD compares: East Asian, 0.0067%; no homozygotes.

Submissions (4):

Labcorp Genetics (formerly Invitae), Labcorp
Classification: Uncertain significance for Multiple endocrine neoplasia type 4. Last evaluated: 2024-09-01. Review status: criteria provided, single submitter. Criteria: Invitae Variant Classification Sherloc (09022015). Collection method: clinical testing. Allele origin: germline.
Comment: This sequence change replaces proline, which is neutral and non-polar, with threonine, which is neutral and polar, at codon 91 of the CDKN1B protein (p.Pro91Thr). This variant is present in population databases (rs769828807, gnomAD 0.02%). This variant has not been reported in the literature in individuals affected with CDKN1B-related conditions. ClinVar contains an entry for this variant (Variation ID: 469011). An algorithm developed to predict the effect of missense changes on protein structure and function (PolyPhen-2) suggests that this variant is likely to be tolerated. In summary, the available evidence is currently insufficient to determine the role of this variant in disease. Therefore, it has been classified as a Variant of Uncertain Significance.

Baylor Genetics
Classification: Uncertain significance for Multiple endocrine neoplasia type 4. Last evaluated: 2023-11-26. Review status: criteria provided, single submitter. Criteria: ACMG Guidelines, 2015. Collection method: clinical testing. Allele origin: unknown.

GeneDx
Classification: Uncertain significance. Last evaluated: 2023-01-25. Review status: criteria provided, single submitter. Criteria: GeneDx Variant Classification Process June 2021. Collection method: clinical testing. Allele origin: germline. Affected: yes.
Comment: Not observed at significant frequency in large population cohorts (gnomAD); In silico analysis supports that this missense variant does not alter protein structure/function; Has not been previously published as pathogenic or benign to our knowledge

Ambry Genetics
Classification: Likely benign for Hereditary cancer-predisposing syndrome. Last evaluated: 2022-03-01. Review status: criteria provided, single submitter. Criteria: Ambry Variant Classification Scheme 2023. Collection method: clinical testing. Allele origin: germline.